The following is an entry in ClinVar:

NM_152618.3(BBS12):c.524G>A (p.Gly175Asp)

Gene: BBS12 (Bardet-Biedl syndrome 12; plus strand). Cytogenetic location: 4q27.
Variant type: single nucleotide variant.
Coding change: c.524G>A on transcript NM_152618.3 (MANE Select); coding-DNA position 524, G replaced by A.
Protein change: p.Gly175Asp; replaces glycine 175 with aspartic acid.
Molecular consequence: missense variant.
Genome position (GRCh38, 1-based): chr4:122,742,416, G>A. VCF-style: chr4-122742416-G-A. GRCh37 (hg19) VCF-style: chr4-123663571-G-A.
Other names: c.524G>A, p.Gly175Asp (NM_001178007.2); short protein forms G175D.
Identifiers: ClinVar variation 4876243 (VCV004876243.1).

ClinVar aggregate classification (germline): Uncertain significance (1 of 4 stars; one submission).

Conditions:
Early onset severe obesity. Identifiers: MedGen C4013980.

gnomAD v4.1: 1 of 1,614,172 alleles (0.000062%); highest among the groups gnomAD compares: Non-Finnish European, 0.000085%; no homozygotes.

Submission:

Cambridge Genomics Laboratory, East Genomic Laboratory Hub, NHS Genomic Medicine Service
Classification: Uncertain significance for Severe early-onset obesity. Last evaluated: 2026-06-11. Review status: criteria provided, single submitter. Criteria: ACGS Best Practice Guidelines for Variant Classification in Rare Disease 2020. Collection method: clinical testing. Allele origin: germline. Affected: yes.
Comment: PM2,PM3_Supporting,BP4